The following is an entry in ClinVar:

NM_023014.1(PRAMEF2):c.422C>T (p.Thr141Met)

Genes: PRAMEF2 (PRAME family member 2; plus strand), LOC126805622 (CDK7 strongly-dependent group 2 enhancer GRCh37_chr1:12919058-12920257; plus strand). Cytogenetic location: 1p36.21.
Variant type: single nucleotide variant.
Coding change: c.422C>T on transcript NM_023014.1 (MANE Select); coding-DNA position 422, C replaced by T.
Protein change: p.Thr141Met; replaces threonine 141 with methionine.
Molecular consequence: missense variant.
Genome position (GRCh38, 1-based): chr1:12,859,827, C>T. VCF-style: chr1-12859827-C-T. GRCh37 (hg19) VCF-style: chr1-12919682-C-T.
Other names: short protein forms T141M.
Identifiers: ClinVar variation 4533527 (VCV004533527.6).

ClinVar aggregate classification (germline): Likely benign (1 of 4 stars; one submission).

Submission:

CeGaT Center for Human Genetics Tuebingen
Classification: Likely benign. Last evaluated: 2025-10-01. Review status: criteria provided, single submitter. Criteria: CeGaT Center For Human Genetics Tuebingen Variant Classification Criteria Version 2. Collection method: clinical testing. Allele origin: germline. Affected: yes. Observed: 1 variant allele.
Comment: PRAMEF2: BS2